The following is an entry in ClinVar:

ClinVar aggregate classification (germline): Uncertain significance. Review status: criteria provided, multiple submitters, no conflicts (2 of 4 stars). 2 submissions from 2 submitters: Uncertain significance (2). Last evaluated 2022-09-01.

Allele frequency attached by ClinVar (database versions not stated): gnomAD 0.00001; gnomAD exomes 0.00001 and 0.00003; TOPMed 0.00006.
gnomAD v4.1: 15 of 1,588,462 alleles (0.00094%); highest among the groups gnomAD compares: Admixed American, 0.01%; no homozygotes.

Submissions (2):

Labcorp Genetics (formerly Invitae), Labcorp
Classification: Uncertain significance. Last evaluated: 2022-09-01. Review status: criteria provided, single submitter. Criteria: Invitae Variant Classification Sherloc (09022015). Collection method: clinical testing. Allele origin: germline.
Comment: In summary, the available evidence is currently insufficient to determine the role of this variant in disease. Therefore, it has been classified as a Variant of Uncertain Significance. Experimental studies and prediction algorithms are not available or were not evaluated, and the functional significance of this variant is currently unknown. This variant has not been reported in the literature in individuals affected with KIZ-related conditions. The frequency data for this variant in the population databases is considered unreliable, as metrics indicate poor data quality at this position in the gnomAD database. This sequence change replaces alanine, which is neutral and non-polar, with serine, which is neutral and polar, at codon 615 of the KIZ protein (p.Ala615Ser).

Blueprint Genetics
Classification: Uncertain significance. Last evaluated: 2022-05-13. Review status: criteria provided, single submitter. Criteria: ACMG Guidelines, 2015. Collection method: clinical testing. Allele origin: germline.

NM_018474.6(KIZ):c.1843G>T (p.Ala615Ser)

Gene: KIZ (kizuna centrosomal protein; plus strand). Cytogenetic location: 20p11.23.
Variant type: single nucleotide variant.
Coding change: c.1843G>T on transcript NM_018474.6 (MANE Select); coding-DNA position 1843, G replaced by T.
Protein change: p.Ala615Ser; replaces alanine 615 with serine.
Molecular consequence: missense variant.
Genome position (GRCh38, 1-based): chr20:21,232,793, G>T. VCF-style: chr20-21232793-G-T. GRCh37 (hg19) VCF-style: chr20-21213431-G-T.
Other names: c.1534G>T, p.Ala512Ser (NM_001163022.3); c.1444G>T, p.Ala482Ser (NM_001163023.3); c.1696G>T, p.Ala566Ser (NM_001276389.2); c.1789G>T, p.Ala597Ser (NM_001352434.2); c.1480G>T, p.Ala494Ser (NM_001352435.2); c.1501G>T, p.Ala501Ser (NM_001352436.2); short protein forms A482S, A494S, A501S, A512S, A566S, A597S, A615S.
Identifiers: ClinVar variation 1020647 (VCV001020647.5), dbSNP rs1482424036, ClinGen allele CA408495533.